The following is an entry in ClinVar:

ClinVar aggregate classification (germline): Uncertain significance (1 of 4 stars; one submission).

Submission:

Labcorp Genetics (formerly Invitae), Labcorp
Classification: Uncertain significance. Last evaluated: 2025-10-08. Review status: criteria provided, single submitter. Criteria: Invitae Variant Classification Sherloc (09022015). Collection method: clinical testing. Allele origin: germline.
Comment: This sequence change replaces serine, which is neutral and polar, with phenylalanine, which is neutral and non-polar, at codon 4046 of the HMCN1 protein (p.Ser4046Phe). This variant is not present in population databases (gnomAD no frequency). This variant has not been reported in the literature in individuals affected with HMCN1-related conditions. An algorithm developed to predict the effect of missense changes on protein structure and function (PolyPhen-2) suggests that this variant is likely to be tolerated. In summary, the available evidence is currently insufficient to determine the role of this variant in disease. Therefore, it has been classified as a Variant of Uncertain Significance.

NM_031935.3(HMCN1):c.12137C>T (p.Ser4046Phe)

Gene: HMCN1 (hemicentin 1; plus strand). Cytogenetic location: 1q31.1.
Variant type: single nucleotide variant.
Coding change: c.12137C>T on transcript NM_031935.3 (MANE Select); coding-DNA position 12137, C replaced by T.
Protein change: p.Ser4046Phe; replaces serine 4046 with phenylalanine.
Molecular consequence: missense variant.
Genome position (GRCh38, 1-based): chr1:186,120,053, C>T. VCF-style: chr1-186120053-C-T. GRCh37 (hg19) VCF-style: chr1-186089185-C-T.
Other names: short protein forms S4046F.
Identifiers: ClinVar variation 4798400 (VCV004798400.1).